The following is an entry in ClinVar:

NM_018489.3(ASH1L):c.6755C>G (p.Thr2252Ser)

Gene: ASH1L (ASH1 like histone lysine methyltransferase; minus strand). Cytogenetic location: 1q22.
Variant type: single nucleotide variant.
Coding change: c.6755C>G on transcript NM_018489.3 (MANE Select); coding-DNA position 6755, C replaced by G.
Protein change: p.Thr2252Ser; replaces threonine 2252 with serine.
Molecular consequence: missense variant.
Genome position (GRCh38, 1-based): chr1:155,360,341, G>C on the plus strand (C>G on the coding strand, the complement: ASH1L is on the minus strand). VCF-style: chr1-155360341-G-C. GRCh37 (hg19) VCF-style: chr1-155330132-G-C.
Other names: c.6770C>G, p.Thr2257Ser (NM_001366177.2); short protein forms T2252S, T2257S.
Identifiers: ClinVar variation 3029327 (VCV003029327.2), dbSNP rs1654833703, ClinGen allele CA342752278.

ClinVar aggregate classification (germline): Uncertain significance (0 of 4 stars; one submission).

Conditions:
ASH1L-related disorder. Also called: ASH1L-related condition.

Allele frequency attached by ClinVar (database versions not stated): gnomAD exomes below 0.00001.
gnomAD v4.1: 5 of 1,613,514 alleles (0.00031%); highest among the groups gnomAD compares: Non-Finnish European, 0.00042%; no homozygotes.

Submission:

PreventionGenetics, part of Exact Sciences
Classification: Uncertain significance for ASH1L-related condition. Last evaluated: 2023-12-05. Review status: no assertion criteria provided. Collection method: clinical testing. Allele origin: germline.
Comment: The ASH1L c.6755C>G variant is predicted to result in the amino acid substitution p.Thr2252Ser. To our knowledge, this variant has not been reported in the literature or in a large population database, indicating this variant is rare. At this time, the clinical significance of this variant is uncertain due to the absence of conclusive functional and genetic evidence.